The following is an entry in ClinVar:

ClinVar aggregate classification (germline): Pathogenic. Review status: reviewed by expert panel (3 of 4 stars). 11 submissions from 11 submitters: Pathogenic (1). 10 of the submissions do not count toward it. Last evaluated 2016-09-08.

Conditions:
Hereditary cancer-predisposing syndrome. Also called: Tumor predisposition; Neoplastic Syndromes, Hereditary; Hereditary Cancer Syndrome; Hereditary neoplastic syndrome. Identifiers: Orphanet 140162, MedGen C0027672, MeSH D009386, MONDO:0015356.
Hereditary breast ovarian cancer syndrome. Also called: Hereditary breast and ovarian cancer syndrome (HBOC); Hereditary breast and ovarian cancer syndrome; Hereditary breast and ovarian cancer; Hereditary breast and/or ovarian cancer syndrome; Breast and ovarian cancer; BRCA1- and BRCA2-Associated Hereditary Breast and Ovarian Cancer. Identifiers: Orphanet 145, MedGen C0677776, MeSH D061325, MONDO:0003582. Disease mechanism: loss of function.
Breast-ovarian cancer, familial, susceptibility to, 1 (BROVCA1). Also called: OVARIAN CANCER, SUSCEPTIBILITY TO; BRCA1 Hereditary Breast and Ovarian Cancer. Identifiers: Orphanet 145, MedGen C2676676, MONDO:0011450, OMIM 604370. Disease mechanism: loss of function.

Allele frequency attached by ClinVar (database versions not stated): gnomAD exomes below 0.00001; gnomAD 0.00001.

Submissions (11):

Evidence-based Network for the Interpretation of Germline Mutant Alleles (ENIGMA)
Classification: Pathogenic for Breast-ovarian cancer, familial, susceptibility to, 1. Last evaluated: 2016-09-08. Review status: reviewed by expert panel. Criteria: ENIGMA BRCA1/2 Classification Criteria (2015). Collection method: curation. Allele origin: germline.
Comment: Variant allele predicted to encode a truncated non-functional protein.

Labcorp Genetics (formerly Invitae), Labcorp
Classification: Pathogenic for Hereditary breast ovarian cancer syndrome. Last evaluated: 2025-09-12. Review status: criteria provided, single submitter. Criteria: Invitae Variant Classification Sherloc (09022015). Collection method: clinical testing. Allele origin: germline. Not counted in ClinVar's aggregate classification.
Comment: This sequence change creates a premature translational stop signal (p.Glu732*) in the BRCA1 gene. It is expected to result in an absent or disrupted protein product. Loss-of-function variants in BRCA1 are known to be pathogenic (PMID: 20104584). This variant is not present in population databases (gnomAD no frequency). This premature translational stop signal has been observed in individual(s) with a family history of breast or ovarian cancer (PMID: 14648706). This variant is also known as 2313G>T. ClinVar contains an entry for this variant (Variation ID: 54492). For these reasons, this variant has been classified as Pathogenic.

Ambry Genetics
Classification: Pathogenic for Hereditary cancer-predisposing syndrome. Last evaluated: 2023-10-16. Review status: criteria provided, single submitter. Criteria: Ambry Variant Classification Scheme 2023. Collection method: clinical testing. Allele origin: germline. Not counted in ClinVar's aggregate classification.
Comment: The p.E732* pathogenic mutation (also known as c.2194G>T), located in coding exon 9 of the BRCA1 gene, results from a G to T substitution at nucleotide position 2194. This changes the amino acid from a glutamic acid to a stop codon within coding exon 9. This variant is considered to be rare based on population cohorts in the Genome Aggregation Database (gnomAD). This alteration is expected to result in loss of function by premature protein truncation or nonsense-mediated mRNA decay. As such, this alteration is interpreted as a disease-causing mutation.

GeneDx
Classification: Pathogenic. Last evaluated: 2023-10-05. Review status: criteria provided, single submitter. Criteria: GeneDx Variant Classification Process June 2021. Collection method: clinical testing. Allele origin: germline. Affected: yes. Not counted in ClinVar's aggregate classification.
Comment: Nonsense variant predicted to result in protein truncation or nonsense mediated decay in a gene for which loss of function is a known mechanism of disease; Not observed at significant frequency in large population cohorts (gnomAD); Truncating variants in this gene are considered pathogenic by a well-established clinical consortium and/or database; Also known as 2313G>T; This variant is associated with the following publications: (PMID: 25525159, 14648706, 29446198, 20104584, 33087929)

Quest Diagnostics Nichols Institute San Juan Capistrano
Classification: Pathogenic. Last evaluated: 2022-12-16. Review status: criteria provided, single submitter. Criteria: Quest Diagnostics criteria. Collection method: clinical testing. Allele origin: unknown. Not counted in ClinVar's aggregate classification.
Comment: This nonsense variant causes the premature termination of BRCA1 protein synthesis. The frequency of this variant in the general population, 0.0000066 (1/152166 chromosomes), is consistent with pathogenicity. In the published literature, the variant has been reported in individuals as a pathogenic variant associated with loss of proper gene function (PMIDs: 29446198 (2018) and 33087929 (2020)). Based on the available information, this variant is classified as pathogenic.

Baylor Genetics
Classification: Pathogenic for Breast-ovarian cancer, familial, susceptibility to, 1. Last evaluated: 2022-03-31. Review status: criteria provided, single submitter. Criteria: ACMG Guidelines, 2015. Collection method: clinical testing. Allele origin: unknown. Not counted in ClinVar's aggregate classification.

Women's Health and Genetics/Laboratory Corporation of America, LabCorp
Classification: Pathogenic for Hereditary breast ovarian cancer syndrome. Last evaluated: 2021-01-10. Review status: criteria provided, single submitter. Criteria: LabCorp Variant Classification Summary - May 2015. Collection method: clinical testing. Allele origin: germline. Not counted in ClinVar's aggregate classification.
Comment: Variant summary: BRCA1 c.2194G>T (p.Glu732X) results in a premature termination codon, predicted to cause a truncation of the encoded protein or absence of the protein due to nonsense mediated decay, which are commonly known mechanisms for disease. Truncations downstream of this position have been classified as pathogenic by our laboratory. The variant was absent in 250618 control chromosomes. c.2194G>T has been reported in the literature in individuals affected with Hereditary Breast And Ovarian Cancer Syndrome (example, Rebbeck_2018). To our knowledge, no experimental evidence demonstrating an impact on protein function has been reported. Two clinical diagnostic laboratories, one expert panel (ENIGMA) and one consortium (CIMBA) have submitted clinical-significance assessments for this variant to ClinVar after 2014 without evidence for independent evaluation. All submitters classified the variant as pathogenic. Based on the evidence outlined above, the variant was classified as pathogenic.

Laboratory for Molecular Medicine, Mass General Brigham Personalized Medicine
Classification: Pathogenic for Hereditary breast ovarian cancer syndrome. Last evaluated: 2019-10-14. Review status: criteria provided, single submitter. Criteria: ACMG Guidelines, 2015. Collection method: clinical testing. Allele origin: germline. Not counted in ClinVar's aggregate classification.
Comment: The p.Glu732X variant in BRCA1 has been reported in at least 6 individuals with a personal or family history of breast and/or ovarian cancer (Kadouri 2004, BIC database). It was absent from large population studies. This variant leads to a premature termination codon at position 732, which is predicted to lead to a truncated or absent protein. Loss of function of the BRCA1 gene is an established disease mechanism in autosomal dominant hereditary breast and ovarian cancer syndrome (HBOC). Additionally, this variant was classified as Pathogenic on Sep 8, 2016 by the ClinGen-approved ENIGMA expert panel (Variation ID: 54492). In summary, this variant meets criteria to be classified as pathogenic for autosomal dominant HBOC. ACMG/AMP Criteria applied: PVS1, PM2, PS4_Moderate.

Consortium of Investigators of Modifiers of BRCA1/2 (CIMBA), c/o University of Cambridge
Classification: Pathogenic for Breast-ovarian cancer, familial, susceptibility to, 1. Last evaluated: 2015-10-02. Review status: criteria provided, single submitter. Criteria: CIMBA Mutation Classification guidelines May 2016. Collection method: clinical testing. Allele origin: germline. Not counted in ClinVar's aggregate classification.

Research Molecular Genetics Laboratory, Women's College Hospital, University of Toronto
Classification: Pathogenic for Hereditary breast ovarian cancer syndrome. Last evaluated: 2014-01-31. Review status: no assertion criteria provided. Collection method: research. Allele origin: germline. Affected: yes. Study: The Canadian Open Genetics Repository (COGR). Not counted in ClinVar's aggregate classification.

Breast Cancer Information Core (BIC) (BRCA1)
Classification: Pathogenic for Breast-ovarian cancer, familial 1. Last evaluated: 2002-05-29. Review status: no assertion criteria provided. Collection method: clinical testing. Allele origin: germline, unknown. Affected: yes. Observed: 5 variant alleles. Not counted in ClinVar's aggregate classification.

Literature cited by the submitters: PubMed 20104584 (cited by Labcorp Genetics (formerly Invitae), Labcorp); PubMed 14648706 (cited by 3 submitters); PubMed 29446198 (cited by Quest Diagnostics Nichols Institute San Juan Capistrano and Women's Health and Genetics/Laboratory Corporation of America, LabCorp); PubMed 33087929 (cited by Quest Diagnostics Nichols Institute San Juan Capistrano); PubMed 25525159 (cited by Quest Diagnostics Nichols Institute San Juan Capistrano).

NM_007294.4(BRCA1):c.2194G>T (p.Glu732Ter)

Gene: BRCA1 (BRCA1 DNA repair associated; minus strand). Cytogenetic location: 17q21.31.
Variant type: single nucleotide variant.
Coding change: c.2194G>T on transcript NM_007294.4 (MANE Select); coding-DNA position 2194, G replaced by T.
Protein change: p.Glu732Ter; replaces glutamic acid 732 with a stop codon.
Molecular consequence: nonsense. On other transcripts: intron variant (137).
Genome position (GRCh38, 1-based): chr17:43,093,337, C>A on the plus strand (G>T on the coding strand, the complement: BRCA1 is on the minus strand). VCF-style: chr17-43093337-C-A. GRCh37 (hg19) VCF-style: chr17-41245354-C-A.
Other names: c.2071G>T, p.Glu691Ter (NM_001407679.1, NM_001407680.1, NM_001407681.1 and 19 more transcripts); c.2194G>T, p.Glu732Ter (NM_001407684.1, NM_001407854.1, NM_001407858.1 and 30 more transcripts); c.2068G>T, p.Glu690Ter (NM_001407685.1, NM_001407686.1, NM_001407687.1 and 11 more transcripts); c.2053G>T, p.Glu685Ter (NM_001407692.1, NM_001407694.1, NM_001407695.1 and 29 more transcripts); c.2050G>T, p.Glu684Ter (NM_001407740.1, NM_001407741.1, NM_001407742.1 and 20 more transcripts); c.1981G>T, p.Glu661Ter (NM_001407853.1, NM_001407894.1, NM_001407895.1 and 9 more transcripts); c.2191G>T, p.Glu731Ter (NM_001407860.1, NM_001407861.1, NM_001407587.1 and 22 more transcripts); c.1993G>T, p.Glu665Ter (NM_001407862.1); and 41 more; short protein forms E732*, E685*, E564*, E621*, E690*, E605*, E620*, E643*.
Identifiers: ClinVar variation 54492 (VCV000054492.23), dbSNP rs80357426, ClinGen allele CA001465.